The following is an entry in ClinVar:

ClinVar aggregate classification (germline): Benign. Review status: criteria provided, multiple submitters, no conflicts (2 of 4 stars). 3 submissions from 3 submitters: Benign (3). Last evaluated 2021-06-18.

Conditions:
Hereditary sensory and autonomic neuropathy with spastic paraplegia (HSNSP). Identifiers: Orphanet 139578, MedGen C1850395, MONDO:0009748, OMIM 256840.

Allele frequency attached by ClinVar (database versions not stated): 1000 Genomes Project 30x 0.67645; 1000 Genomes Project 0.68590; TOPMed 0.72703; gnomAD 0.73464 and 0.73763; gnomAD exomes 0.82356.
gnomAD v4.1: 547,813 of 681,050 alleles (80%); highest among the groups gnomAD compares: East Asian, 89%; 224,920 homozygotes.

Submissions (3):

GeneDx
Classification: Benign. Last evaluated: 2021-06-18. Review status: criteria provided, single submitter. Criteria: GeneDx Variant Classification Process June 2021. Collection method: clinical testing. Allele origin: germline. Affected: yes.

Illumina Laboratory Services, Illumina
Classification: Benign for Hereditary sensory and autonomic neuropathy with spastic paraplegia. Last evaluated: 2018-01-12. Review status: criteria provided, single submitter. Criteria: ICSL Variant Classification Criteria 13 December 2019. Collection method: clinical testing. Allele origin: germline.
Comment: This variant was observed in the ICSL laboratory as part of a predisposition screen in an ostensibly healthy population. It had not been previously curated by ICSL or reported in the Human Gene Mutation Database (HGMD: prior to June 1st, 2018), and was therefore a candidate for classification through an automated scoring system. Utilizing variant allele frequency, disease prevalence and penetrance estimates, and inheritance mode, an automated score was calculated to assess if this variant is too frequent to cause the disease. Based on the score and internal cut-off values, a variant classified as benign is not then subjected to further curation. The score for this variant resulted in a classification of benign for this disease.

Breakthrough Genomics
Classification: Benign. Review status: criteria provided, single submitter. Criteria: ACMG Guidelines, 2015. Collection method: not provided. Allele origin: germline. Inheritance: Autosomal recessive inheritance. Affected: yes.

NM_012073.5(CCT5):c.*181C>T

Gene: CCT5 (chaperonin containing TCP1 subunit 5; plus strand). Cytogenetic location: 5p15.2.
Variant type: single nucleotide variant.
Coding change: c.*181C>T on transcript NM_012073.5 (MANE Select); 181 bases downstream of the stop codon, C replaced by T.
Molecular consequence: 3 prime UTR variant.
Genome position (GRCh38, 1-based): chr5:10,264,964, C>T. VCF-style: chr5-10264964-C-T. GRCh37 (hg19) VCF-style: chr5-10265076-C-T.
Other names: c.*181C>T (NM_001306153.1, NM_001306154.2, NM_001306155.2 and 1 more transcripts).
Identifiers: ClinVar variation 350264 (VCV000350264.7), dbSNP rs699113, ClinGen allele CA10619760.